The following is an entry in ClinVar:

NM_001128840.3(CACNA1D):c.5473C>T (p.Arg1825Trp)

Gene: CACNA1D (calcium voltage-gated channel subunit alpha1 D; plus strand). Cytogenetic location: 3p21.1.
Variant type: single nucleotide variant.
Coding change: c.5473C>T on transcript NM_001128840.3 (MANE Select); coding-DNA position 5473, C replaced by T.
Protein change: p.Arg1825Trp; replaces arginine 1825 with tryptophan.
Molecular consequence: missense variant.
Genome position (GRCh38, 1-based): chr3:53,803,460, C>T. VCF-style: chr3-53803460-C-T. GRCh37 (hg19) VCF-style: chr3-53837487-C-T.
Other names: c.5533C>T, p.Arg1845Trp (NM_000720.4); c.5401C>T, p.Arg1801Trp (NM_001128839.3); short protein forms R1801W, R1825W, R1845W.
Identifiers: ClinVar variation 1337814 (VCV001337814.13), dbSNP rs144688228, ClinGen allele CA2455158.

ClinVar aggregate classification (germline): Conflicting classifications of pathogenicity. Review status: criteria provided, conflicting classifications (1 of 4 stars). 4 submissions from 4 submitters: Uncertain significance (3); Likely benign (1). Last evaluated 2026-01-09.

Allele frequency attached by ClinVar (database versions not stated): gnomAD 0.00010 and 0.00013; TOPMed 0.00011; ESP Exome Variant Server 0.00023; gnomAD exomes 0.00023; ExAC 0.00025; 1000 Genomes Project 30x 0.00031; 1000 Genomes Project 0.00040.
gnomAD v4.1: 421 of 1,614,200 alleles (0.026%); highest among the groups gnomAD compares: South Asian, 0.11%; 4 homozygotes.

Submissions (4):

Labcorp Genetics (formerly Invitae), Labcorp
Classification: Likely benign. Last evaluated: 2026-01-09. Review status: criteria provided, single submitter. Criteria: Invitae Variant Classification Sherloc (09022015). Collection method: clinical testing. Allele origin: germline.

GeneDx
Classification: Uncertain significance. Last evaluated: 2025-05-08. Review status: criteria provided, single submitter. Criteria: GeneDx Variant Classification Process June 2021. Collection method: clinical testing. Allele origin: germline.
Comment: In silico analysis supports that this missense variant has a deleterious effect on protein structure/function; Has not been previously published as pathogenic or benign to our knowledge

Blueprint Genetics
Classification: Uncertain significance. Last evaluated: 2024-10-28. Review status: criteria provided, single submitter. Criteria: ACMG Guidelines, 2015. Collection method: clinical testing. Allele origin: germline.

Genetic Services Laboratory, University of Chicago
Classification: Uncertain significance. Last evaluated: 2020-12-28. Review status: criteria provided, single submitter. Criteria: ACMG Guidelines, 2015. Collection method: clinical testing. Allele origin: germline. Affected: no.
Comment: This sequence change does not appear to have been previously described in patients with CACNA1D-related disorders and has been described in the gnomAD database with a low population frequency of 0.023% (dbSNP rs144688228). The p.Arg1845Trp change affects a highly conserved amino acid residue located in a domain of the CACNA1D protein that is not known to be functional. In-silico pathogenicity prediction tools (SIFT, PolyPhen2, Align GVGD, REVEL) provide contradictory results for the p.Arg1845Trp substitution. Due to these contrasting evidences and the lack of functional studies, the clinical significance of the p.Arg1845Trp change remains unknown at this time